The following is an entry in ClinVar:

NM_002291.3(LAMB1):c.4201C>T (p.Pro1401Ser)

Gene: LAMB1 (laminin subunit beta 1; minus strand). Cytogenetic location: 7q31.1.
Variant type: single nucleotide variant.
Coding change: c.4201C>T on transcript NM_002291.3 (MANE Select); coding-DNA position 4201, C replaced by T.
Protein change: p.Pro1401Ser; replaces proline 1401 with serine.
Molecular consequence: missense variant.
Genome position (GRCh38, 1-based): chr7:107,932,365, G>A on the plus strand (C>T on the coding strand, the complement: LAMB1 is on the minus strand). VCF-style: chr7-107932365-G-A. GRCh37 (hg19) VCF-style: chr7-107572810-G-A.
Other names: c.4201C>T (NM_002291.2); short protein forms P1401S.
Identifiers: ClinVar variation 2049917 (VCV002049917.5), dbSNP rs1562974794, ClinGen allele CA368865002.
Genomic context (GRCh38, chr7:107,932,365, plus strand): 5'-CTTCGTCAGTTCTGCAGTTTGGCCCGCCACATTCAGTCTCGGAACAGGAGGCCCCTGGGG[G>A]TGTTCCACAGGTCTGCAACAAGCCAAGGATCAGGCACAATACTTCGGATAGTGAATCTGC-3'
Protein context (NP_002282.2, residues 1391-1411): SAAAEMTCGT[Pro1401Ser]PGASCSETEC

ClinVar aggregate classification (germline): Uncertain significance. Review status: criteria provided, multiple submitters, no conflicts (2 of 4 stars). 2 submissions from 2 submitters: Uncertain significance (2). Last evaluated 2023-11-14.

gnomAD v4.1: 1 of 1,614,190 alleles (0.000062%); no homozygotes.

Submissions (2):

GeneDx
Classification: Uncertain significance. Last evaluated: 2023-11-14. Review status: criteria provided, single submitter. Criteria: GeneDx Variant Classification Process June 2021. Collection method: clinical testing. Allele origin: germline. Affected: yes.
Comment: Not observed at significant frequency in large population cohorts (gnomAD); In silico analysis supports that this missense variant does not alter protein structure/function; Reported de novo in an individual with bipolar disorder, but detailed clinical information was not provided (PMID: 31776463); This variant is associated with the following publications: (PMID: 34145229, 31776463)

Labcorp Genetics (formerly Invitae), Labcorp
Classification: Uncertain significance. Last evaluated: 2021-12-27. Review status: criteria provided, single submitter. Criteria: Invitae Variant Classification Sherloc (09022015). Collection method: clinical testing. Allele origin: germline.
Comment: This variant is not present in population databases (gnomAD no frequency). This variant has not been reported in the literature in individuals affected with LAMB1-related conditions. Algorithms developed to predict the effect of missense changes on protein structure and function are either unavailable or do not agree on the potential impact of this missense change (SIFT: "Deleterious"; PolyPhen-2: "Benign"; Align-GVGD: "Class C65"). In summary, the available evidence is currently insufficient to determine the role of this variant in disease. Therefore, it has been classified as a Variant of Uncertain Significance. This sequence change replaces proline, which is neutral and non-polar, with serine, which is neutral and polar, at codon 1401 of the LAMB1 protein (p.Pro1401Ser).